The following is an entry in ClinVar:

NM_018669.6(WDR4):c.798T>C (p.Pro266=)

Gene: WDR4 (WDR4 tRNA N7-guanosine methyltransferase non-catalytic subunit; minus strand). Cytogenetic location: 21q22.3.
Variant type: single nucleotide variant.
Coding change: c.798T>C on transcript NM_018669.6 (MANE Select); coding-DNA position 798, T replaced by C.
Protein change: p.Pro266=; no amino-acid change (proline 266 retained).
Molecular consequence: synonymous variant. On other transcripts: non-coding transcript variant (1).
Genome position (GRCh38, 1-based): chr21:42,853,746, A>G on the plus strand (T>C on the coding strand, the complement: WDR4 is on the minus strand). VCF-style: chr21-42853746-A-G. GRCh37 (hg19) VCF-style: chr21-44273856-A-G.
Other names: c.795T>C, p.Pro265= (NM_001260474.2); c.360T>C, p.Pro120= (NM_001260475.2, NM_001260476.2, NM_001260477.2 and 1 more transcripts); c.798T>C, p.Pro266= (NM_033661.5).
Identifiers: ClinVar variation 2063755 (VCV002063755.14), dbSNP rs200229841, ClinGen allele CA10045918.

ClinVar aggregate classification (germline): Benign/Likely benign. Review status: criteria provided, multiple submitters, no conflicts (2 of 4 stars). 4 submissions from 4 submitters: Benign (2); Likely benign (2). Last evaluated 2025-12-18.

Allele frequency attached by ClinVar (database versions not stated): TOPMed 0.00037; ESP Exome Variant Server 0.00039; 1000 Genomes Project 0.00060; 1000 Genomes Project 30x 0.00062; gnomAD exomes 0.00065; gnomAD 0.00081; ExAC 0.00100.
gnomAD v4.1: 1,032 of 1,555,802 alleles (0.066%); highest among the groups gnomAD compares: South Asian, 0.11%; 1 homozygote.

Submissions (4):

Labcorp Genetics (formerly Invitae), Labcorp
Classification: Benign. Last evaluated: 2025-12-18. Review status: criteria provided, single submitter. Criteria: Invitae Variant Classification Sherloc (09022015). Collection method: clinical testing. Allele origin: germline.

CeGaT Center for Human Genetics Tuebingen
Classification: Likely benign. Last evaluated: 2025-06-01. Review status: criteria provided, single submitter. Criteria: CeGaT Center For Human Genetics Tuebingen Variant Classification Criteria Version 2. Collection method: clinical testing. Allele origin: germline. Affected: yes. Observed: 1 variant allele.
Comment: WDR4: BP4, BP7

Laboratory of Genetics, Children's Clinical University Hospital Latvia
Classification: Benign. Last evaluated: 2025-02-16. Review status: criteria provided, single submitter. Criteria: ACMG Guidelines, 2015. Collection method: clinical testing. Allele origin: germline. Affected: yes.

Blueprint Genetics
Classification: Likely benign. Last evaluated: 2024-11-19. Review status: criteria provided, single submitter. Criteria: ACMG Guidelines, 2015. Collection method: clinical testing. Allele origin: germline.